The following is an entry in ClinVar:

NM_006208.3(ENPP1):c.2191A>C (p.Asn731His)

Gene: ENPP1 (ectonucleotide pyrophosphatase/phosphodiesterase 1; plus strand). Cytogenetic location: 6q23.2.
Variant type: single nucleotide variant.
Coding change: c.2191A>C on transcript NM_006208.3 (MANE Select); coding-DNA position 2191, A replaced by C.
Protein change: p.Asn731His; replaces asparagine 731 with histidine.
Molecular consequence: missense variant.
Genome position (GRCh38, 1-based): chr6:131,882,435, A>C. VCF-style: chr6-131882435-A-C. GRCh37 (hg19) VCF-style: chr6-132203575-A-C.
Other names: short protein forms N731H.
Identifiers: ClinVar variation 2224262 (VCV002224262.5), dbSNP rs748292010, ClinGen allele CA147900663.
Genomic context (GRCh38, chr6:131,882,435, plus strand): 5'-TGTCTGTACCAGGACTTTAGAATTCCTCTTAGTCCTGTCCATAAATGTTCATTTTATAAA[A>C]ATAACACCAAAGTGAGTTACGGGTTCCTCTCCCCACCACGTAAGTTTTTTCCTCTCCTGA-3'
Protein context (NP_006199.2, residues 721-741): SPVHKCSFYK[Asn731His]NTKVSYGFLS

ClinVar aggregate classification (germline): Uncertain significance. Review status: criteria provided, multiple submitters, no conflicts (2 of 4 stars). 3 submissions from 3 submitters: Uncertain significance (3). Last evaluated 2024-05-07.

Conditions:
Inborn genetic diseases. Identifiers: MedGen C0950123, MeSH D030342.
Hypopigmentation-punctate palmoplantar keratoderma syndrome. Also called: GUTTATE HYPOPIGMENTATION AND PUNCTATE PALMOPLANTAR KERATODERMA WITH OR WITHOUT ECTOPIC CALCIFICATION; Cole disease. Identifiers: Orphanet 324561, MedGen C3809781, MONDO:0014227, OMIM 615522.
Arterial calcification, generalized, of infancy, 1 (GACI1). Also called: Idiopathic Infantile Arterial Calcification. Identifiers: Orphanet 51608, MedGen C4551985, MONDO:0008817, OMIM 208000.
Hypophosphatemic rickets, autosomal recessive, 2 (ARHR2). Identifiers: Orphanet 289176, MedGen C2750078, MONDO:0013219, OMIM 613312.
Inherited obesity. Also called: Monogenic Obesity. Identifiers: Orphanet 77828, MedGen C4054476, MONDO:0019182, OMIM 601665.
Type 2 diabetes mellitus. Also called: Type II diabetes mellitus. Identifiers: MedGen C0011860, MeSH D003924, MONDO:0005148, OMIM 125853, HP:0005978.

gnomAD v4.1: 50 of 1,610,224 alleles (0.0031%); highest among the groups gnomAD compares: Non-Finnish European, 0.0042%; no homozygotes.

Submissions (3):

Fulgent Genetics
Classification: Uncertain significance for Type 2 diabetes mellitus; Arterial calcification, generalized, of infancy, 1; Inherited obesity; Hypophosphatemic rickets, autosomal recessive, 2; Hypopigmentation-punctate palmoplantar keratoderma syndrome. Last evaluated: 2024-05-07. Review status: criteria provided, single submitter. Criteria: ACMG Guidelines, 2015. Collection method: clinical testing. Allele origin: germline.

Labcorp Genetics (formerly Invitae), Labcorp
Classification: Uncertain significance. Last evaluated: 2023-09-23. Review status: criteria provided, single submitter. Criteria: Invitae Variant Classification Sherloc (09022015). Collection method: clinical testing. Allele origin: germline.
Comment: In summary, the available evidence is currently insufficient to determine the role of this variant in disease. Therefore, it has been classified as a Variant of Uncertain Significance. Advanced modeling of protein sequence and biophysical properties (such as structural, functional, and spatial information, amino acid conservation, physicochemical variation, residue mobility, and thermodynamic stability) performed at Invitae indicates that this missense variant is not expected to disrupt ENPP1 protein function. ClinVar contains an entry for this variant (Variation ID: 2224262). This variant has not been reported in the literature in individuals affected with ENPP1-related conditions. This variant is present in population databases (no rsID available, gnomAD 0.002%). This sequence change replaces asparagine, which is neutral and polar, with histidine, which is basic and polar, at codon 731 of the ENPP1 protein (p.Asn731His).

Ambry Genetics
Classification: Uncertain significance for Inborn genetic diseases. Last evaluated: 2022-08-10. Review status: criteria provided, single submitter. Criteria: Ambry Variant Classification Scheme 2023. Collection method: clinical testing. Allele origin: germline.